The following is an entry in ClinVar:

NM_001191061.2(SLC25A22):c.698G>C (p.Cys233Ser)

Gene: SLC25A22 (solute carrier family 25 member 22; minus strand). Cytogenetic location: 11p15.5.
Variant type: single nucleotide variant.
Coding change: c.698G>C on transcript NM_001191061.2 (MANE Select); coding-DNA position 698, G replaced by C.
Protein change: p.Cys233Ser; replaces cysteine 233 with serine.
Molecular consequence: missense variant.
Genome position (GRCh38, 1-based): chr11:792,348, C>G on the plus strand (G>C on the coding strand, the complement: SLC25A22 is on the minus strand). VCF-style: chr11-792348-C-G. GRCh37 (hg19) VCF-style: chr11-792348-C-G.
Other names: c.698G>C, p.Cys233Ser (NM_001425339.1, NM_001425342.1, NM_001425343.1 and 4 more transcripts); c.695G>C, p.Cys232Ser (NM_001425340.1); c.686G>C, p.Cys229Ser (NM_001425341.1); c.380G>C, p.Cys127Ser (NM_001425344.1); c.773G>C, p.Cys258Ser (NM_001425334.1); c.737G>C, p.Cys246Ser (NM_001425335.1); c.713G>C, p.Cys238Ser (NM_001425336.1); short protein forms C233S, C238S, C232S, C229S, C258S, C127S, C246S.
Identifiers: ClinVar variation 3656295 (VCV003656295.2).
Genomic context (GRCh38, chr11:792,348, plus strand): 5'-CATCCCATGCACTGACCATCACAGGGGTTGACGGCCACAGCGGCGGCACTCCCAGCCACA[C>G]AGCCGGCCAGGAAGGACACGTAGAAAGGCGACTTCTCCTCGGACGCCGGGCGGCCCAGCT-3'
Protein context (NP_001177990.1, residues 223-243): SPFYVSFLAG[Cys233Ser]VAGSAAAVAV

ClinVar aggregate classification (germline): Uncertain significance (1 of 4 stars; one submission).

Conditions:
Early-infantile DEE. Also called: Ohtahara syndrome; Early infantile epileptic encephalopathy; Early infantile epileptic encephalopathy with suppression bursts. Identifiers: Orphanet 1934, MedGen C0393706, MONDO:0800491.

Submission:

Labcorp Genetics (formerly Invitae), Labcorp
Classification: Uncertain significance for Early-infantile DEE. Last evaluated: 2024-06-11. Review status: criteria provided, single submitter. Criteria: Invitae Variant Classification Sherloc (09022015). Collection method: clinical testing. Allele origin: germline.
Comment: This sequence change replaces cysteine, which is neutral and slightly polar, with serine, which is neutral and polar, at codon 233 of the SLC25A22 protein (p.Cys233Ser). This variant is not present in population databases (gnomAD no frequency). This variant has not been reported in the literature in individuals affected with SLC25A22-related conditions. Advanced modeling of protein sequence and biophysical properties (such as structural, functional, and spatial information, amino acid conservation, physicochemical variation, residue mobility, and thermodynamic stability) performed at Invitae indicates that this missense variant is not expected to disrupt SLC25A22 protein function with a negative predictive value of 80%. In summary, the available evidence is currently insufficient to determine the role of this variant in disease. Therefore, it has been classified as a Variant of Uncertain Significance.